The following is an entry in ClinVar:

ClinVar aggregate classification (germline): Uncertain significance. Review status: criteria provided, multiple submitters, no conflicts (2 of 4 stars). 4 submissions from 4 submitters: Uncertain significance (4). Last evaluated 2026-01-23.

Allele frequency attached by ClinVar (database versions not stated): TOPMed 0.00002.
gnomAD v4.1: 43 of 1,612,394 alleles (0.0027%); highest among the groups gnomAD compares: Non-Finnish European, 0.0036%; no homozygotes.

Submissions (4):

Labcorp Genetics (formerly Invitae), Labcorp
Classification: Uncertain significance. Last evaluated: 2026-01-23. Review status: criteria provided, single submitter. Criteria: Invitae Variant Classification Sherloc (09022015). Collection method: clinical testing. Allele origin: germline.
Comment: This sequence change replaces serine, which is neutral and polar, with tryptophan, which is neutral and slightly polar, at codon 606 of the COL11A2 protein (p.Ser606Trp). This variant is present in population databases (rs147328015, gnomAD 0.005%). This variant has not been reported in the literature in individuals affected with COL11A2-related conditions. ClinVar contains an entry for this variant (Variation ID: 179481). An algorithm developed to predict the effect of missense changes on protein structure and function (PolyPhen-2) suggests that this variant is likely to be disruptive. In summary, the available evidence is currently insufficient to determine the role of this variant in disease. Therefore, it has been classified as a Variant of Uncertain Significance.

GeneDx
Classification: Uncertain significance. Last evaluated: 2025-12-08. Review status: criteria provided, single submitter. Criteria: GeneDx Variant Classification Process June 2021. Collection method: clinical testing. Allele origin: germline. Affected: yes.
Comment: Has not been previously published as pathogenic or benign to our knowledge; Not observed at significant frequency in large population cohorts (gnomAD); In silico analysis supports that this missense variant has a deleterious effect on protein structure/function

Blueprint Genetics
Classification: Uncertain significance. Last evaluated: 2024-11-25. Review status: criteria provided, single submitter. Criteria: ACMG Guidelines, 2015. Collection method: clinical testing. Allele origin: germline.

Laboratory for Molecular Medicine, Mass General Brigham Personalized Medicine
Classification: Uncertain significance. Last evaluated: 2014-01-13. Review status: criteria provided, single submitter. Criteria: LMM Criteria. Collection method: clinical testing. Allele origin: germline. Observed: 1 variant allele.
Comment: The Ser606Trp variant in COL11A2 has not been previously reported in individuals with hearing loss or in large population studies. Computational analyses (bioch emical amino acid properties, conservation, AlignGVGD, PolyPhen2, and SIFT) do n ot provide strong support for or against an impact to the protein. In summary, a dditional information is needed to fully assess the clinical significance of thi s variant.

NM_080680.3(COL11A2):c.1817C>G (p.Ser606Trp)

Gene: COL11A2 (collagen type XI alpha 2 chain; minus strand). Cytogenetic location: 6p21.32.
Variant type: single nucleotide variant.
Coding change: c.1817C>G on transcript NM_080680.3 (MANE Select); coding-DNA position 1817, C replaced by G.
Protein change: p.Ser606Trp; replaces serine 606 with tryptophan.
Molecular consequence: missense variant.
Genome position (GRCh38, 1-based): chr6:33,178,309, G>C on the plus strand (C>G on the coding strand, the complement: COL11A2 is on the minus strand). VCF-style: chr6-33178309-G-C. GRCh37 (hg19) VCF-style: chr6-33146086-G-C.
Other names: c.1496C>G, p.Ser499Trp (NM_080679.3); c.1559C>G, p.Ser520Trp (NM_080681.3); short protein forms S606W, S499W, S520W.
Identifiers: ClinVar variation 179481 (VCV000179481.14), dbSNP rs147328015, ClinGen allele CA184509.